The following is an entry in ClinVar:

ClinVar aggregate classification (germline): Pathogenic (1 of 4 stars; one submission).

Submission:

Labcorp Genetics (formerly Invitae), Labcorp
Classification: Pathogenic. Last evaluated: 2021-01-13. Review status: criteria provided, single submitter. Criteria: Invitae Variant Classification Sherloc (09022015). Collection method: clinical testing. Allele origin: germline.
Comment: This variant is a gross deletion of the genomic region encompassing exon(s) 1 of the LPL gene, which includes the initiator codon. The 5' end of this event is unknown as it extends beyond the assayed region for this gene and therefore may encompass additional genes. The 3' boundary is likely confined to intron 1 of the LPL gene. It is expected to result in an absent or disrupted protein product. Loss-of-function variants in LPL are known to be pathogenic (PMID: 11334614). This variant has not been reported in the literature in individuals with LPL-related conditions. For these reasons, this variant has been classified as Pathogenic.

Literature cited by the submitters: PubMed 11334614.

NC_000008.10:g.(?_19796711)_(19797049_?)del

Gene: LPL (lipoprotein lipase; plus strand). Cytogenetic location: 8p21.3.
Variant type: Deletion.
Identifiers: ClinVar variation 1459737 (VCV001459737.1).